The following is an entry in ClinVar:

NM_001122955.4(BSCL2):c.1294C>T (p.Pro432Ser)

Genes: BSCL2 (BSCL2 lipid droplet biogenesis associated, seipin; minus strand), HNRNPUL2-BSCL2 (HNRNPUL2-BSCL2 readthrough (NMD candidate); minus strand). Cytogenetic location: 11q12.3.
Variant type: single nucleotide variant.
Coding change: c.1294C>T on transcript NM_001122955.4 (MANE Select); coding-DNA position 1294, C replaced by T.
Protein change: p.Pro432Ser; replaces proline 432 with serine.
Molecular consequence: missense variant. On other transcripts: non-coding transcript variant (1), 3 prime UTR variant (1).
Genome position (GRCh38, 1-based): chr11:62,690,462, G>A on the plus strand (C>T on the coding strand, the complement: BSCL2 is on the minus strand). VCF-style: chr11-62690462-G-A. GRCh37 (hg19) VCF-style: chr11-62457934-G-A.
Other names: c.*96C>T (NM_001130702.2); c.1300C>T, p.Pro434Ser (NM_001386027.1); c.1294C>T, p.Pro432Ser (NM_001386028.1); c.1102C>T, p.Pro368Ser (NM_032667.6); short protein forms P368S, P432S, P434S.
Identifiers: ClinVar variation 3684363 (VCV003684363.2).

ClinVar aggregate classification (germline): Uncertain significance (1 of 4 stars; one submission).

Conditions:
Charcot-Marie-Tooth disease type 2. Also called: Charcot-Marie-Tooth type 2. Identifiers: Orphanet 64746, MedGen C0270914, MONDO:0018993.

Submission:

Labcorp Genetics (formerly Invitae), Labcorp
Classification: Uncertain significance for Charcot-Marie-Tooth disease type 2. Last evaluated: 2024-07-08. Review status: criteria provided, single submitter. Criteria: Invitae Variant Classification Sherloc (09022015). Collection method: clinical testing. Allele origin: germline.
Comment: This sequence change replaces proline, which is neutral and non-polar, with serine, which is neutral and polar, at codon 368 of the BSCL2 protein (p.Pro368Ser). This variant is not present in population databases (gnomAD no frequency). This variant has not been reported in the literature in individuals affected with BSCL2-related conditions. Algorithms developed to predict the effect of missense changes on protein structure and function output the following: SIFT: "Not Available"; PolyPhen-2: "Benign"; Align-GVGD: "Not Available". The serine amino acid residue is found in multiple mammalian species, which suggests that this missense change does not adversely affect protein function. In summary, the available evidence is currently insufficient to determine the role of this variant in disease. Therefore, it has been classified as a Variant of Uncertain Significance.